The following is an entry in ClinVar:

ClinVar aggregate classification (germline): Pathogenic. Review status: no assertion criteria provided (0 of 4 stars). 2 submissions from 2 submitters: Pathogenic (2). Last evaluated 2025-07-25.

Conditions:
Autism spectrum disorder. Also called: Autism spectrum disorders. Identifiers: MedGen C1510586, MeSH D000067877, MONDO:0005258.
Intellectual developmental disorder, autosomal dominant 76. Identifiers: MedGen C6012756, MONDO:0979575, OMIM 621285.

Submissions (2):

OMIM
Classification: Pathogenic for INTELLECTUAL DEVELOPMENTAL DISORDER, AUTOSOMAL DOMINANT 76. Last evaluated: 2025-07-25. Review status: no assertion criteria provided. Collection method: literature only. Allele origin: germline.

Department of Medical Genetics, Capital Institute of Pediatrics
Classification: Pathogenic for Autism Spectrum Disorder. Last evaluated: 2024-07-03. Review status: no assertion criteria provided. Collection method: research. Allele origin: de novo. Affected: yes.
Comment: PVS1+PM2_Supporting+PS2

Literature cited by the submitters: PubMed 39419027 (cited by OMIM and Department of Medical Genetics, Capital Institute of Pediatrics).

NM_001039469.3(MARK2):c.2168_2169del (p.Cys723fs)

Gene: MARK2 (microtubule affinity regulating kinase 2; plus strand). Cytogenetic location: 11q13.1.
Variant type: Deletion.
Coding change: c.2168_2169del on transcript NM_001039469.3 (MANE Select); coding-DNA positions 2168 to 2169, 2 bases deleted (GC; older notation c.2168_2169delGC).
Protein change: p.Cys723fs; shifts the reading frame from cysteine 723.
Molecular consequence: frameshift variant.
Genome position (GRCh38, 1-based): chr11:63,909,038-63,909,039, GC deleted. VCF-style (leftmost placement, unchanged base first): chr11-63909037-TGC-T. GRCh37 (hg19) VCF-style: chr11-63676509-TGC-T.
Other names: c.2168_2169delGC (NM_001039469.3); c.1961_1962del, p.Cys654fs (NM_001163296.2); c.1931_1932del, p.Cys644fs (NM_001163297.2); c.1976_1977del, p.Cys659fs (NM_004954.5); c.2039_2040del, p.Cys680fs (NM_017490.4); short protein forms C644fs, C654fs, C659fs, C680fs, C723fs.
Identifiers: ClinVar variation 3253639 (VCV003253639.3), dbSNP rs2539350226.